The following is an entry in ClinVar:

ClinVar aggregate classification (germline): Uncertain significance (1 of 4 stars; one submission).

Submission:

Ambry Genetics
Classification: Uncertain significance. Last evaluated: 2014-10-17. Review status: criteria provided, single submitter. Criteria: Ambry Variant Classification Scheme 2023. Collection method: clinical testing. Allele origin: germline.
Comment: The c.8569A>G (p.K2857E) alteration is located in exon 59 (coding exon 59) of the RYR3 gene. This alteration results from a A to G substitution at nucleotide position 8569, causing the lysine (K) at amino acid position 2857 to be replaced by a glutamic acid (E). The alteration is not observed in healthy cohorts:_x000D_ Based on data from the NHLBI Exome Sequencing Project (ESP), the RYR3 c.8569A>G alteration was not observed among 5,971 individuals tested (0.0%). Allele frequency data for this nucleotide position are not currently available from the 1000 Genomes Project and the alteration is not currently listed in the Database of Single Nucleotide Polymorphisms (dbSNP). Though some variants may appear to be rare due to database-specific ethnic underrepresentation, rare missense alleles commonly exhibit a deleterious effect on protein function (Kryukov, 2007; Tennessen, 2012). IF USED, PULL THESE INTO REFERENCES:_x000D_ Kryukov GV, et al. (2007) Am J Hum Genet 80:727-739. Tennessen JA, et al. (2012) Science 337(64):64-69. The altered amino acid is conserved throughout evolution:_x000D_ The p.K2857 amino acid position is completely conserved in available vertebrate species. The alteration is predicted deleterious by in silico models:_x000D_ The p.K2857E alteration is predicted to be possibly damaging by Polyphen and deleterious by SIFT in silico analyses. Based on insufficient or conflicting evidence, the clinical significance of this alteration remains unclear.

NM_001036.6(RYR3):c.8569A>G (p.Lys2857Glu)

Gene: RYR3 (ryanodine receptor 3; plus strand). Cytogenetic location: 15q14.
Variant type: single nucleotide variant.
Coding change: c.8569A>G on transcript NM_001036.6 (MANE Select); coding-DNA position 8569, A replaced by G.
Protein change: p.Lys2857Glu; replaces lysine 2857 with glutamic acid.
Molecular consequence: missense variant.
Genome position (GRCh38, 1-based): chr15:33,756,359, A>G. VCF-style: chr15-33756359-A-G. GRCh37 (hg19) VCF-style: chr15-34048560-A-G.
Other names: c.8569A>G, p.Lys2857Glu (NM_001243996.4); short protein forms K2857E.
Identifiers: ClinVar variation 225011 (VCV000225011.5), dbSNP rs869312926, ClinGen allele CA358003.